The following is an entry in ClinVar:

ClinVar aggregate classification (germline): Uncertain significance (1 of 4 stars; one submission).

Conditions:
Leukocyte adhesion deficiency 3. Also called: INTEGRIN ACTIVATION DEFICIENCY DISEASE; LEUKOCYTE ADHESION DEFICIENCY 1 VARIANT; Leukocyte adhesion deficiency, type III. Identifiers: Orphanet 2968, Orphanet 99844, MedGen C2748536, MONDO:0013016, OMIM 612840.

Submission:

Labcorp Genetics (formerly Invitae), Labcorp
Classification: Uncertain significance for Leukocyte adhesion deficiency 3. Last evaluated: 2025-02-10. Review status: criteria provided, single submitter. Criteria: Invitae Variant Classification Sherloc (09022015). Collection method: clinical testing. Allele origin: germline.
Comment: This sequence change replaces glutamine, which is neutral and polar, with arginine, which is basic and polar, at codon 52 of the FERMT3 protein (p.Gln52Arg). This variant is not present in population databases (gnomAD no frequency). This variant has not been reported in the literature in individuals affected with FERMT3-related conditions. ClinVar contains an entry for this variant (Variation ID: 2128947). Invitae Evidence Modeling of protein sequence and biophysical properties (such as structural, functional, and spatial information, amino acid conservation, physicochemical variation, residue mobility, and thermodynamic stability) indicates that this missense variant is not expected to disrupt FERMT3 protein function with a negative predictive value of 80%. In summary, the available evidence is currently insufficient to determine the role of this variant in disease. Therefore, it has been classified as a Variant of Uncertain Significance.

NM_031471.6(FERMT3):c.155A>G (p.Gln52Arg)

Gene: FERMT3 (FERM domain containing kindlin 3; plus strand). Cytogenetic location: 11q13.1.
Variant type: single nucleotide variant.
Coding change: c.155A>G on transcript NM_031471.6 (MANE Select); coding-DNA position 155, A replaced by G.
Protein change: p.Gln52Arg; replaces glutamine 52 with arginine.
Molecular consequence: missense variant.
Genome position (GRCh38, 1-based): chr11:64,207,519, A>G. VCF-style: chr11-64207519-A-G. GRCh37 (hg19) VCF-style: chr11-63974991-A-G.
Other names: c.155A>G, p.Gln52Arg (NM_001382361.1, NM_001382362.1, NM_001382448.1 and 1 more transcripts); short protein forms Q52R.
Identifiers: ClinVar variation 2128947 (VCV002128947.4), dbSNP rs1468067201, ClinGen allele CA381079806.